The following is an entry in ClinVar:

ClinVar aggregate classification (germline): Likely pathogenic. Review status: criteria provided, single submitter (1 of 4 stars). 2 submissions from 2 submitters: Likely pathogenic (1). 1 of the submissions does not count toward it. Last evaluated 2023-05-08.

Conditions:
Fatty acyl-CoA reductase 1 deficiency. Also called: Peroxisomal fatty acyl-coa reductase 1 disorder. Identifiers: Orphanet 438178, MedGen C4015344, MONDO:0014510, OMIM 616154.

Submissions (2):

Institute of Human Genetics, University of Leipzig Medical Center
Classification: Likely pathogenic for Fatty acyl-CoA reductase 1 deficiency. Last evaluated: 2023-05-08. Review status: criteria provided, single submitter. Criteria: ACMG Guidelines, 2015. Collection method: clinical testing. Allele origin: biparental. Affected: yes.
Comment: Review of the variants reported in Reuter et al., 2017, PMID: 28097321: PS3,PM4,PM3_Supporting,PM2

OMIM
Classification: Pathogenic for PEROXISOMAL FATTY ACYL-CoA REDUCTASE 1 DISORDER. Last evaluated: 2014-11-06. Review status: no assertion criteria provided. Collection method: literature only. Allele origin: germline. Not counted in ClinVar's aggregate classification.

Literature cited by the submitters: PubMed 25439727 (cited by OMIM).

NM_032228.6(FAR1):c.495_507delinsT (p.Glu165_Pro169delinsAsp)

Gene: FAR1 (fatty acyl-CoA reductase 1; plus strand). Cytogenetic location: 11p15.3.
Variant type: Indel.
Coding change: c.495_507delinsT on transcript NM_032228.6 (MANE Select); coding-DNA positions 495 to 507, AGTAGTCTATCCA replaced by T.
Protein change: p.Glu165_Pro169delinsAsp.
Molecular consequence: inframe indel.
Genome position (GRCh38, 1-based): chr11:13,708,029-13,708,041, AGTAGTCTATCCA replaced by T. VCF-style: chr11-13708029-AGTAGTCTATCCA-T. GRCh37 (hg19) VCF-style: chr11-13729576-AGTAGTCTATCCA-T.
Identifiers: ClinVar variation 162212 (VCV000162212.4), dbSNP rs727502796, ClinGen allele CA214780.
Genomic context (GRCh38, chr11:13,708,029, plus strand): 5'-GGAAGTGTTCATGCATGTATCAACAGCATATGCCTACTGTAATCGCAAGCATATTGATGA[AGTAGTCTATCCA>T]CCACCTGTGGATCCCAAGAAGCTGATTGATTCTTTAGAGTATGTTTGTTTGAAATTTATA-3'